The following is an entry in ClinVar:

ClinVar aggregate classification (germline): Likely benign. Review status: criteria provided, multiple submitters, no conflicts (2 of 4 stars). 3 submissions from 3 submitters: Likely benign (2). 1 of the submissions does not count toward it. Last evaluated 2026-01-15.

Conditions:
Tatton-Brown-Rahman overgrowth syndrome. Also called: Tall stature-intellectual disability-facial dysmorphism syndrome; Tatton-Brown-Rahman syndrome. Identifiers: Orphanet 404443, MedGen C4014545, MONDO:0014382, OMIM 615879.
DNMT3A-related disorder. Also called: DNMT3A-related disorders; DNMT3A-related condition.

Allele frequency attached by ClinVar (database versions not stated): gnomAD exomes 0.00007 and 0.00014; TOPMed 0.00007; ExAC 0.00011; 1000 Genomes Project 30x 0.00016; gnomAD 0.00018 and 0.00019; 1000 Genomes Project 0.00020.
gnomAD v4.1: 136 of 1,614,032 alleles (0.0084%); highest among the groups gnomAD compares: East Asian, 0.062%; no homozygotes.

Submissions (3):

Labcorp Genetics (formerly Invitae), Labcorp
Classification: Likely benign for Tatton-Brown-Rahman overgrowth syndrome. Last evaluated: 2026-01-15. Review status: criteria provided, single submitter. Criteria: Invitae Variant Classification Sherloc (09022015). Collection method: clinical testing. Allele origin: germline.

Blueprint Genetics
Classification: Likely benign. Last evaluated: 2024-10-23. Review status: criteria provided, single submitter. Criteria: ACMG Guidelines, 2015. Collection method: clinical testing. Allele origin: germline.

PreventionGenetics, part of Exact Sciences
Classification: Likely benign for DNMT3A-related condition. Last evaluated: 2022-07-29. Review status: no assertion criteria provided. Collection method: clinical testing. Allele origin: germline. Not counted in ClinVar's aggregate classification.
Comment: This variant is classified as likely benign based on ACMG/AMP sequence variant interpretation guidelines (Richards et al. 2015 PMID: 25741868, with internal and published modifications).

NM_022552.5(DNMT3A):c.1038G>A (p.Pro346=)

Gene: DNMT3A (DNA methyltransferase 3 alpha; minus strand). Cytogenetic location: 2p23.3.
Variant type: single nucleotide variant.
Coding change: c.1038G>A on transcript NM_022552.5 (MANE Select); coding-DNA position 1038, G replaced by A.
Protein change: p.Pro346=; no amino-acid change (proline 346 retained).
Molecular consequence: synonymous variant. On other transcripts: non-coding transcript variant (1).
Genome position (GRCh38, 1-based): chr2:25,247,135, C>T on the plus strand (G>A on the coding strand, the complement: DNMT3A is on the minus strand). VCF-style: chr2-25247135-C-T. GRCh37 (hg19) VCF-style: chr2-25470004-C-T.
Other names: c.1038G>A, p.Pro346= (NM_175629.2); c.582G>A, p.Pro194= (NM_001320893.1); c.369G>A, p.Pro123= (NM_001375819.1); c.471G>A, p.Pro157= (NM_153759.3).
Identifiers: ClinVar variation 706997 (VCV000706997.12), dbSNP rs199924489, ClinGen allele CA1556180.